The following is an entry in ClinVar:

NM_001271.4(CHD2):c.5306A>T (p.Lys1769Ile)

Gene: CHD2 (chromodomain helicase DNA binding protein 2; plus strand). Cytogenetic location: 15q26.1.
Variant type: single nucleotide variant.
Coding change: c.5306A>T on transcript NM_001271.4 (MANE Select); coding-DNA position 5306, A replaced by T.
Protein change: p.Lys1769Ile; replaces lysine 1769 with isoleucine.
Molecular consequence: missense variant.
Genome position (GRCh38, 1-based): chr15:93,024,524, A>T. VCF-style: chr15-93024524-A-T. GRCh37 (hg19) VCF-style: chr15-93567754-A-T.
Other names: short protein forms K1769I.
Identifiers: ClinVar variation 2100119 (VCV002100119.5), dbSNP rs1262949405, ClinGen allele CA393908512.
Genomic context (GRCh38, chr15:93,024,524, plus strand): 5'-CCGCTATGGGCTACCATGGCCAGGGACCCTCAGACCATTACCGCTCTTTCCACACAGATA[A>T]ACTGGGGGAATATAAACAGCCTCTACCCCCATTGCACCCTGCAGTCTCAGATCCTCGCTC-3'
Protein context (NP_001262.3, residues 1759-1779): SDHYRSFHTD[Lys1769Ile]LGEYKQPLPP

ClinVar aggregate classification (germline): Uncertain significance. Review status: criteria provided, multiple submitters, no conflicts (2 of 4 stars). 2 submissions from 2 submitters: Uncertain significance (2). Last evaluated 2025-11-28.

Conditions:
Developmental and epileptic encephalopathy 94 (DEE94). Also called: Epileptic encephalopathy, childhood-onset; CHD2-Related Neurodevelopmental Disorders. Identifiers: Orphanet 1942, Orphanet 2382, MedGen C3809278, MONDO:0014150, OMIM 615369.

Submissions (2):

Laboratorio de Genetica e Diagnostico Molecular, Hospital Israelita Albert Einstein
Classification: Uncertain significance for Developmental and epileptic encephalopathy 94. Last evaluated: 2025-11-28. Review status: criteria provided, single submitter. Criteria: ACMG Guidelines, 2015. Collection method: clinical testing. Allele origin: germline. Affected: yes.
Comment: ACMG classification criteria: PM2 supporting, PP2 supporting

Labcorp Genetics (formerly Invitae), Labcorp
Classification: Uncertain significance for Developmental and epileptic encephalopathy 94. Last evaluated: 2024-11-16. Review status: criteria provided, single submitter. Criteria: Invitae Variant Classification Sherloc (09022015). Collection method: clinical testing. Allele origin: germline.
Comment: This sequence change replaces lysine, which is basic and polar, with isoleucine, which is neutral and non-polar, at codon 1769 of the CHD2 protein (p.Lys1769Ile). This variant is not present in population databases (gnomAD no frequency). This variant has not been reported in the literature in individuals affected with CHD2-related conditions. ClinVar contains an entry for this variant (Variation ID: 2100119). Invitae Evidence Modeling of protein sequence and biophysical properties (such as structural, functional, and spatial information, amino acid conservation, physicochemical variation, residue mobility, and thermodynamic stability) indicates that this missense variant is not expected to disrupt CHD2 protein function with a negative predictive value of 95%. In summary, the available evidence is currently insufficient to determine the role of this variant in disease. Therefore, it has been classified as a Variant of Uncertain Significance.